The following is an entry in ClinVar:

ClinVar aggregate classification (germline): Uncertain significance (1 of 4 stars; one submission).

Submission:

Ambry Genetics
Classification: Uncertain significance. Last evaluated: 2024-12-20. Review status: criteria provided, single submitter. Criteria: Ambry Variant Classification Scheme 2023. Collection method: clinical testing. Allele origin: germline.
Comment: The p.E113V variant (also known as c.338A>T), located in coding exon 2 of the ATRIP gene, results from an A to T substitution at nucleotide position 338. The glutamic acid at codon 113 is replaced by valine, an amino acid with dissimilar properties. This amino acid position is conserved. In addition, this alteration is predicted to be deleterious by in silico analysis. Based on the available evidence, the clinical significance of this variant remains unclear.

NM_130384.3(ATRIP):c.338A>T (p.Glu113Val)

Genes: ATRIP (ATR interacting protein; plus strand), ATRIP-TREX1 (ATRIP-TREX1 readthrough; plus strand). Cytogenetic location: 3p21.31.
Variant type: single nucleotide variant.
Coding change: c.338A>T on transcript NM_130384.3 (MANE Select); coding-DNA position 338, A replaced by T.
Protein change: p.Glu113Val; replaces glutamic acid 113 with valine.
Molecular consequence: missense variant. On other transcripts: non-coding transcript variant (1), 5 prime UTR variant (1).
Genome position (GRCh38, 1-based): chr3:48,450,127, A>T. VCF-style: chr3-48450127-A-T. GRCh37 (hg19) VCF-style: chr3-48491533-A-T.
Other names: c.-127A>T (NM_001271022.2); c.59A>T, p.Glu20Val (NM_001271023.2); c.338A>T, p.Glu113Val (NM_032166.4); short protein forms E20V, E113V.
Identifiers: ClinVar variation 3809167 (VCV003809167.1).